The following is an entry in ClinVar:

NM_002693.3(POLG):c.158_166dup (p.Gln53_Gln55dup)

Genes: POLG (DNA polymerase gamma, catalytic subunit; minus strand), POLGARF (POLG alternative reading frame; minus strand). Cytogenetic location: 15q26.1.
Variant type: Duplication.
Coding change: c.158_166dup on transcript NM_002693.3 (MANE Select); coding-DNA positions 158 to 166, 9 bases duplicated (AACAGCAGC; older notation c.158_166dupAACAGCAGC).
Protein change: p.Gln53_Gln55dup.
Molecular consequence: inframe insertion.
Genome position (GRCh38, 1-based): chr15:89,333,589-89,333,597, GCTGCTGTT duplicated on the plus strand (AACAGCAGC on the coding strand, the reverse complement: POLG is on the minus strand); duplicating any 9 consecutive bases within chr15:89,333,589-89,333,604 gives the same sequence; the c. name uses the placement nearest the transcript's 3' end. VCF-style (leftmost placement, unchanged base first): chr15-89333588-G-GGCTGCTGTT. GRCh37 (hg19) VCF-style: chr15-89876819-G-GGCTGCTGTT.
Other names: c.158_166dupAACAGCAGC (NM_002693.2); c.158_166dup, p.Gln53_Gln55dup (NM_001126131.2).
Identifiers: ClinVar variation 528385 (VCV000528385.15), dbSNP rs769735492, ClinGen allele CA7725174.

ClinVar aggregate classification (germline): Likely benign. Review status: criteria provided, multiple submitters, no conflicts (2 of 4 stars). 3 submissions from 3 submitters: Likely benign (3). Last evaluated 2025-01-20.

Conditions:
Hereditary skeletal muscle disorder. Identifiers: MedGen CN324038, MONDO:0700223.
Progressive sclerosing poliodystrophy (MTDPS4A). Also called: Alpers-Huttenlocher Syndrome (AHS); ALPERS PROGRESSIVE INFANTILE POLIODYSTROPHY; Mitochondrial DNA Depletion Syndrome 4A; Mitochondrial DNA depletion syndrome 4A (Alpers type); NEURONAL DEGENERATION OF CHILDHOOD WITH LIVER DISEASE, PROGRESSIVE; Alpers Syndrome. Identifiers: Orphanet 726, MedGen C0205710, MONDO:0008758, OMIM 203700.

Submissions (3):

Labcorp Genetics (formerly Invitae), Labcorp
Classification: Likely benign for Progressive sclerosing poliodystrophy. Last evaluated: 2025-01-20. Review status: criteria provided, single submitter. Criteria: Invitae Variant Classification Sherloc (09022015). Collection method: clinical testing. Allele origin: germline.

Cambridge Genomics Laboratory, East Genomic Laboratory Hub, NHS Genomic Medicine Service
Classification: Likely benign for Hereditary skeletal muscle disorder. Last evaluated: 2019-04-17. Review status: criteria provided, single submitter. Criteria: ACGS Best Practice Guidelines for Variant Classification in Rare Disease 2020. Collection method: clinical testing. Allele origin: germline. Affected: yes. Observed: 1 variant allele.

GeneDx
Classification: Likely benign. Last evaluated: 2018-09-07. Review status: criteria provided, single submitter. Criteria: GeneDx Variant Classification Process June 2021. Collection method: clinical testing. Allele origin: germline. Affected: yes.
Comment: This variant is associated with the following publications: (PMID: 24091540)